The following is an entry in ClinVar:

NM_020458.4(TTC7A):c.32T>C (p.Leu11Pro)

Genes: MCFD2 (multiple coagulation factor deficiency 2, ER cargo receptor complex subunit; minus strand), TTC7A (tetratricopeptide repeat domain 7A; plus strand). Cytogenetic location: 2p21.
Variant type: single nucleotide variant.
Coding change: c.32T>C on transcript NM_020458.4 (MANE Select); coding-DNA position 32, T replaced by C.
Protein change: p.Leu11Pro; replaces leucine 11 with proline.
Molecular consequence: missense variant. On other transcripts: 5 prime UTR variant (2), intron variant (1).
Genome position (GRCh38, 1-based): chr2:46,941,573, T>C. VCF-style: chr2-46941573-T-C. GRCh37 (hg19) VCF-style: chr2-47168712-T-C.
Other names: c.32T>C, p.Leu11Pro (NM_001288951.2); c.-873T>C (NM_001288955.2); c.-8A>G (NM_001171508.2); c.91A>G, p.Arg31Gly (NM_001171511.3); c.83-8790T>C (NM_001288953.2); short protein forms L11P, R31G.
Identifiers: ClinVar variation 2633239 (VCV002633239.2), dbSNP rs2466127792, ClinGen allele CA346715565.

ClinVar aggregate classification (germline): Uncertain significance. Review status: criteria provided, multiple submitters, no conflicts (2 of 4 stars). 2 submissions from 2 submitters: Uncertain significance (2). Last evaluated 2025-09-01.

Conditions:
Inborn genetic diseases. Identifiers: MedGen C0950123, MeSH D030342.
TTC7A-related disorder. Also called: TTC7A-related condition.

Allele frequency attached by ClinVar (database versions not stated): gnomAD exomes below 0.00001.
gnomAD v4.1: 2 of 1,557,536 alleles (0.00013%); highest among the groups gnomAD compares: Non-Finnish European, 0.00017%; no homozygotes.

Submissions (2):

Ambry Genetics
Classification: Uncertain significance for Inborn genetic diseases. Last evaluated: 2025-09-01. Review status: criteria provided, single submitter. Criteria: Ambry Variant Classification Scheme 2023. Collection method: clinical testing. Allele origin: germline.

PreventionGenetics, part of Exact Sciences
Classification: Uncertain significance for TTC7A-related condition. Last evaluated: 2023-05-11. Review status: criteria provided, single submitter. Criteria: ACMG Guidelines, 2015. Collection method: clinical testing. Allele origin: germline.
Comment: The TTC7A c.32T>C variant is predicted to result in the amino acid substitution p.Leu11Pro. To our knowledge, this variant has not been reported in the literature or in a large population database, indicating this variant is rare. At this time, the clinical significance of this variant is uncertain due to the absence of conclusive functional and genetic evidence.